The following is an entry in ClinVar:

ClinVar aggregate classification (germline): Uncertain significance (1 of 4 stars; one submission).

Allele frequency attached by ClinVar (database versions not stated): gnomAD exomes below 0.00001; gnomAD 0.00001.
gnomAD v4.1: 4 of 1,599,544 alleles (0.00025%); highest among the groups gnomAD compares: Non-Finnish European, 0.00034%; no homozygotes.

Submission:

Labcorp Genetics (formerly Invitae), Labcorp
Classification: Uncertain significance. Last evaluated: 2022-02-14. Review status: criteria provided, single submitter. Criteria: Invitae Variant Classification Sherloc (09022015). Collection method: clinical testing. Allele origin: germline.
Comment: This variant has not been reported in the literature in individuals affected with CCDC88A-related conditions. Algorithms developed to predict the effect of missense changes on protein structure and function are either unavailable or do not agree on the potential impact of this missense change (SIFT: "Deleterious"; PolyPhen-2: "Probably Damaging"; Align-GVGD: "Class C0"). In summary, the available evidence is currently insufficient to determine the role of this variant in disease. Therefore, it has been classified as a Variant of Uncertain Significance. This sequence change replaces alanine, which is neutral and non-polar, with threonine, which is neutral and polar, at codon 305 of the CCDC88A protein (p.Ala305Thr). This variant is present in population databases (no rsID available, gnomAD 0.002%).

NM_001365480.1(CCDC88A):c.913G>A (p.Ala305Thr)

Gene: CCDC88A (coiled-coil and HOOK domain protein 88A; minus strand). Cytogenetic location: 2p16.1.
Variant type: single nucleotide variant.
Coding change: c.913G>A on transcript NM_001365480.1 (MANE Select); coding-DNA position 913, G replaced by A.
Protein change: p.Ala305Thr; replaces alanine 305 with threonine.
Molecular consequence: missense variant.
Genome position (GRCh38, 1-based): chr2:55,346,303, C>T on the plus strand (G>A on the coding strand, the complement: CCDC88A is on the minus strand). VCF-style: chr2-55346303-C-T. GRCh37 (hg19) VCF-style: chr2-55573439-C-T.
Other names: c.913G>A, p.Ala305Thr (NM_001135597.2, NM_001254943.2, NM_018084.5); short protein forms A305T.
Identifiers: ClinVar variation 2186117 (VCV002186117.4), dbSNP rs1319216712, ClinGen allele CA346907268.